The following is an entry in ClinVar:

NM_001349338.3(FOXP1):c.181-18007C>G

Gene: FOXP1 (forkhead box P1; minus strand). Cytogenetic location: 3p13.
Variant type: single nucleotide variant.
Coding change: c.181-18007C>G on transcript NM_001349338.3 (MANE Select); 18007 bases into the intron before coding-DNA position 181, C replaced by G.
Molecular consequence: intron variant.
Genome position (GRCh38, 1-based): chr3:71,130,644, G>C on the plus strand (C>G on the coding strand, the complement: FOXP1 is on the minus strand). VCF-style: chr3-71130644-G-C. GRCh37 (hg19) VCF-style: chr3-71179795-G-C.
Other names: c.181-18007C>G (NM_001244810.2, NM_032682.6, NM_001349340.3 and 5 more transcripts); c.-121+1447C>G (NM_001349343.3, NM_001349342.3); short protein forms H14D.
Identifiers: ClinVar variation 3061436 (VCV003061436.2), dbSNP rs1336377153, ClinGen allele CA353564633.

ClinVar aggregate classification (germline): Uncertain significance (0 of 4 stars; one submission).

Conditions:
FOXP1-related disorder. Also called: FOXP1-related condition.

Allele frequency attached by ClinVar (database versions not stated): gnomAD 0.00002; gnomAD exomes 0.00001; TOPMed 0.00002.
gnomAD v4.1: 10 of 1,597,688 alleles (0.00063%); highest among the groups gnomAD compares: Non-Finnish European, 0.00076%; no homozygotes.

Submission:

PreventionGenetics, part of Exact Sciences
Classification: Uncertain significance for FOXP1-related condition. Last evaluated: 2024-02-26. Review status: no assertion criteria provided. Collection method: clinical testing. Allele origin: germline.
Comment: The FOXP1 c.40C>G variant is predicted to result in the amino acid substitution p.His14Asp. To our knowledge, this variant has not been reported in the literature or in a large population database, indicating this variant is rare. At this time, the clinical significance of this variant is uncertain due to the absence of conclusive functional and genetic evidence.